The following is an entry in ClinVar:

ClinVar aggregate classification (germline): Conflicting classifications of pathogenicity. Review status: criteria provided, conflicting classifications (1 of 4 stars). 8 submissions from 8 submitters: Uncertain significance (2); Likely benign (3). 3 of the submissions do not count toward it. Last evaluated 2024-11-07.

Conditions:
Familial acute necrotizing encephalopathy (IIAE3). Also called: Susceptibility to Acute Necrotizing Encephalopathy 1; ENCEPHALOPATHY, ACUTE, INFECTION-INDUCED, SUSCEPTIBILITY TO, 3. Identifiers: Orphanet 88619, MedGen C2675556, MONDO:0011953, OMIM 608033.

Allele frequency attached by ClinVar (database versions not stated): ExAC 0.00042; gnomAD exomes 0.00045 and 0.00107; gnomAD 0.00062 and 0.00068; TOPMed 0.00063; ESP Exome Variant Server 0.00085.
gnomAD v4.1: 1,666 of 1,613,942 alleles (0.1%); highest among the groups gnomAD compares: Non-Finnish European, 0.13%; 3 homozygotes.

Submissions (8):

Blueprint Genetics
Classification: Likely benign. Last evaluated: 2024-11-07. Review status: criteria provided, single submitter. Criteria: ACMG Guidelines, 2015. Collection method: clinical testing. Allele origin: germline.

Labcorp Genetics (formerly Invitae), Labcorp
Classification: Likely benign for Familial acute necrotizing encephalopathy. Last evaluated: 2022-09-01. Review status: criteria provided, single submitter. Criteria: Invitae Variant Classification Sherloc (09022015). Collection method: clinical testing. Allele origin: germline.

Ambry Genetics
Classification: Uncertain significance. Last evaluated: 2021-08-09. Review status: criteria provided, single submitter. Criteria: Ambry Variant Classification Scheme 2023. Collection method: clinical testing. Allele origin: germline.

GeneDx
Classification: Uncertain significance. Last evaluated: 2020-09-03. Review status: criteria provided, single submitter. Criteria: GeneDx Variant Classification Process June 2021. Collection method: clinical testing. Allele origin: germline. Affected: yes.
Comment: In silico analysis supports that this missense variant does not alter protein structure/function; Has not been previously published as pathogenic or benign to our knowledge

Center for Pediatric Genomic Medicine, Children's Mercy Hospital and Clinics
Classification: Likely benign. Last evaluated: 2017-08-08. Review status: criteria provided, single submitter. Criteria: ACMG Guidelines, 2015. Collection method: clinical testing. Allele origin: germline.

Division of Human Genetics, Children's Hospital of Philadelphia
Classification: Uncertain significance for Familial acute necrotizing encephalopathy. Last evaluated: 2016-06-21. Review status: no assertion criteria provided. Collection method: research. Allele origin: germline. Affected: yes. Study: CSER-PediSeq. Not counted in ClinVar's aggregate classification.

Clinical Genetics DNA and cytogenetics Diagnostics Lab, Erasmus MC, Erasmus Medical Center
Classification: Likely benign. Review status: no assertion criteria provided. Collection method: clinical testing. Allele origin: germline. Affected: yes. Study: VKGL Data-share Consensus. Not counted in ClinVar's aggregate classification.

Genome Diagnostics Laboratory, University Medical Center Utrecht
Classification: Likely benign. Review status: no assertion criteria provided. Collection method: clinical testing. Allele origin: germline. Affected: yes. Study: VKGL Data-share Consensus. Not counted in ClinVar's aggregate classification.

NM_006267.5(RANBP2):c.3226T>G (p.Leu1076Val)

Gene: RANBP2 (RAN binding protein 2; plus strand). Cytogenetic location: 2q13.
Variant type: single nucleotide variant.
Coding change: c.3226T>G on transcript NM_006267.5 (MANE Select); coding-DNA position 3226, T replaced by G.
Protein change: p.Leu1076Val; replaces leucine 1076 with valine.
Molecular consequence: missense variant.
Genome position (GRCh38, 1-based): chr2:108,763,765, T>G. VCF-style: chr2-108763765-T-G. GRCh37 (hg19) VCF-style: chr2-109380221-T-G.
Other names: short protein forms L1076V.
Identifiers: ClinVar variation 417861 (VCV000417861.20), dbSNP rs142768885, ClinGen allele CA1822900.